The following is an entry in ClinVar:

ClinVar aggregate classification (germline): Likely pathogenic. Review status: criteria provided, multiple submitters, no conflicts (2 of 4 stars). 2 submissions from 2 submitters: Likely pathogenic (2). Last evaluated 2024-03-01.

Conditions:
TNFAIP3-related disorder. Also called: TNFAIP3-related condition.
Autoinflammatory syndrome, familial, Behcet-like 1 (AIFBL1). Also called: Haploinsufficiency of A20. Identifiers: Orphanet 674762, MedGen C4225218, MONDO:0800045, OMIM 616744.

Submissions (2):

Pittsburgh Clinical Genomics Laboratory, University of Pittsburgh Medical Center
Classification: Likely pathogenic for Autoinflammatory syndrome, familial, Behcet-like 1. Last evaluated: 2024-03-01. Review status: criteria provided, single submitter. Criteria: ACMG Guidelines, 2015. Collection method: clinical testing. Allele origin: germline. Inheritance: Autosomal dominant inheritance. Affected: yes.
Comment: This sequence variant is a 40-nucleotide deletion from position 505 to 544 of the coding sequence of the TNFAIP3 gene and results in an early termination codon 34 amino acids downstream of the frameshift at codon 169. This variant is predicted to generate a non-functional allele through either the expression of a truncated protein or a loss of TNF alpha induced protein 3 expression due to nonsense mediated decay. This novel variant is absent from ClinVar, publications, and the gnomAD v4.0.0 population database (0 of approximately 833,000 alleles). Haploinsufficiency in TNFAIP3 is a known mechanism of disease. Based upon the evidence, we consider this variant to be likely pathogenic. ACMG Criteria: PM2, PVS1

Blueprint Genetics
Classification: Likely pathogenic for TNFAIP3-related disorders. Last evaluated: 2018-08-29. Review status: criteria provided, single submitter. Criteria: ACMG Guidelines, 2015. Collection method: clinical testing. Allele origin: germline. Affected: yes. Observed: 1 variant allele.

NM_001270508.2(TNFAIP3):c.505_544del (p.Asp169fs)

Genes: TNFAIP3 (TNF alpha induced protein 3; plus strand), LOC126859807 (MED14-independent group 3 enhancer GRCh37_chr6:138196296-138197495; plus strand). Cytogenetic location: 6q23.3.
Variant type: Deletion.
Coding change: c.505_544del on transcript NM_001270508.2 (MANE Select); coding-DNA positions 505 to 544, 40 bases deleted.
Protein change: p.Asp169fs; shifts the reading frame from aspartic acid 169.
Molecular consequence: frameshift variant.
Genome position (GRCh38, 1-based): chr6:137,875,706-137,875,745, 40 bases deleted; deleting any 40 consecutive bases within chr6:137,875,702-137,875,745 gives the same sequence; the c. name uses the placement nearest the transcript's 3' end. GRCh37 (hg19): chr6:138,196,843-138,196,882.
Other names: c.505_544del, p.Asp169fs (NM_001270507.2, NM_006290.4); short protein forms D169fs.
Identifiers: ClinVar variation 3376341 (VCV003376341.2).